The following is an entry in ClinVar:

ClinVar aggregate classification (germline): Conflicting classifications of pathogenicity. Review status: criteria provided, conflicting classifications (1 of 4 stars). 3 submissions from 3 submitters: Uncertain significance (1); Likely benign (1). 1 of the submissions does not count toward it. Last evaluated 2024-09-22.

Conditions:
DNMT3A-related disorder. Also called: DNMT3A-related disorders; DNMT3A-related condition.
Tatton-Brown-Rahman overgrowth syndrome. Also called: Tatton-Brown-Rahman syndrome; Tall stature-intellectual disability-facial dysmorphism syndrome. Identifiers: Orphanet 404443, MedGen C4014545, MONDO:0014382, OMIM 615879.

Allele frequency attached by ClinVar (database versions not stated): gnomAD 0.00004 and 0.00005; ExAC 0.00005; gnomAD exomes 0.00005 and 0.00006; TOPMed 0.00007; ESP Exome Variant Server 0.00023; 1000 Genomes Project 30x 0.00031.
gnomAD v4.1: 88 of 1,611,680 alleles (0.0055%); highest among the groups gnomAD compares: Non-Finnish European, 0.007%; no homozygotes.

Submissions (3):

Labcorp Genetics (formerly Invitae), Labcorp
Classification: Uncertain significance for Tatton-Brown-Rahman overgrowth syndrome. Last evaluated: 2024-09-22. Review status: criteria provided, single submitter. Criteria: Invitae Variant Classification Sherloc (09022015). Collection method: clinical testing. Allele origin: germline.
Comment: This sequence change falls in intron 22 of the DNMT3A gene. It does not directly change the encoded amino acid sequence of the DNMT3A protein. It affects a nucleotide within the consensus splice site. This variant is present in population databases (rs371855601, gnomAD 0.01%). This variant has not been reported in the literature in individuals affected with DNMT3A-related conditions. ClinVar contains an entry for this variant (Variation ID: 434951). Variants that disrupt the consensus splice site are a relatively common cause of aberrant splicing (PMID: 17576681, 9536098). Algorithms developed to predict the effect of sequence changes on RNA splicing suggest that this variant is not likely to affect RNA splicing. In summary, the available evidence is currently insufficient to determine the role of this variant in disease. Therefore, it has been classified as a Variant of Uncertain Significance.

Genetic Services Laboratory, University of Chicago
Classification: Likely benign. Last evaluated: 2015-11-17. Review status: criteria provided, single submitter. Criteria: ACMG Guidelines, 2015. Collection method: clinical testing. Allele origin: germline. Affected: no.

PreventionGenetics, part of Exact Sciences
Classification: Likely benign for DNMT3A-related condition. Last evaluated: 2021-06-17. Review status: no assertion criteria provided. Collection method: clinical testing. Allele origin: germline. Not counted in ClinVar's aggregate classification.
Comment: This variant is classified as likely benign based on ACMG/AMP sequence variant interpretation guidelines (Richards et al. 2015 PMID: 25741868, with internal and published modifications).

Literature cited by the submitters: PubMed 17576681 (cited by Labcorp Genetics (formerly Invitae), Labcorp); PubMed 9536098 (cited by Labcorp Genetics (formerly Invitae), Labcorp).

NM_022552.5(DNMT3A):c.2598-3C>T

Gene: DNMT3A (DNA methyltransferase 3 alpha; minus strand). Cytogenetic location: 2p23.3.
Variant type: single nucleotide variant.
Coding change: c.2598-3C>T on transcript NM_022552.5 (MANE Select); 3 bases into the intron before coding-DNA position 2598, C replaced by T.
Molecular consequence: intron variant.
Genome position (GRCh38, 1-based): chr2:25,234,423, G>A on the plus strand (C>T on the coding strand, the complement: DNMT3A is on the minus strand). VCF-style: chr2-25234423-G-A. GRCh37 (hg19) VCF-style: chr2-25457292-G-A.
Other names: c.2598-3C>T (NM_175629.2); c.2031-3C>T (NM_153759.3); c.2142-3C>T (NM_001320893.1); c.1929-3C>T (NM_001375819.1).
Identifiers: ClinVar variation 434951 (VCV000434951.12), dbSNP rs371855601, ClinGen allele CA1555505.